The following is an entry in ClinVar:

NM_001082971.2(DDC):c.1042C>T (p.His348Tyr)

Gene: DDC (dopa decarboxylase; minus strand). Cytogenetic location: 7p12.2.
Variant type: single nucleotide variant.
Coding change: c.1042C>T on transcript NM_001082971.2 (MANE Select); coding-DNA position 1042, C replaced by T.
Protein change: p.His348Tyr; replaces histidine 348 with tyrosine.
Molecular consequence: missense variant.
Genome position (GRCh38, 1-based): chr7:50,470,171, G>A on the plus strand (C>T on the coding strand, the complement: DDC is on the minus strand). VCF-style: chr7-50470171-G-A. GRCh37 (hg19) VCF-style: chr7-50537869-G-A.
Other names: c.1042C>T, p.His348Tyr (NM_000790.4); c.928C>T, p.His310Tyr (NM_001242886.2); c.898C>T, p.His300Tyr (NM_001242887.2); c.808C>T, p.His270Tyr (NM_001242888.2); c.763C>T, p.His255Tyr (NM_001242889.2); short protein forms H255Y, H310Y, H348Y, H300Y, H270Y.
Identifiers: ClinVar variation 2132306 (VCV002132306.4), dbSNP rs2534987313, ClinGen allele CA367533856.

ClinVar aggregate classification (germline): Uncertain significance (1 of 4 stars; one submission).

Conditions:
Deficiency of aromatic-L-amino-acid decarboxylase. Also called: AADC DEFICIENCY; DDC DEFICIENCY; DOPA DECARBOXYLASE DEFICIENCY; Aromatic L-Amino Acid Decarboxylase Deficiency; Aromatic amino acid decarboxylase deficiency. Identifiers: Orphanet 35708, MedGen C1291564, MONDO:0012084, OMIM 608643.

Submission:

Labcorp Genetics (formerly Invitae), Labcorp
Classification: Uncertain significance for Deficiency of aromatic-L-amino-acid decarboxylase. Last evaluated: 2022-04-30. Review status: criteria provided, single submitter. Criteria: Invitae Variant Classification Sherloc (09022015). Collection method: clinical testing. Allele origin: germline.
Comment: Algorithms developed to predict the effect of missense changes on protein structure and function (SIFT, PolyPhen-2, Align-GVGD) all suggest that this variant is likely to be disruptive. In summary, the available evidence is currently insufficient to determine the role of this variant in disease. Therefore, it has been classified as a Variant of Uncertain Significance. This variant has not been reported in the literature in individuals affected with DDC-related conditions. This variant is not present in population databases (gnomAD no frequency). This sequence change replaces histidine, which is basic and polar, with tyrosine, which is neutral and polar, at codon 348 of the DDC protein (p.His348Tyr).